The following is an entry in ClinVar:

ClinVar aggregate classification (germline): Uncertain significance (1 of 4 stars; one submission).

Allele frequency attached by ClinVar (database versions not stated): gnomAD exomes below 0.00001.
gnomAD v4.1: 1 of 1,614,228 alleles (0.000062%); highest among the groups gnomAD compares: South Asian, 0.0011%; no homozygotes.

Submission:

Labcorp Genetics (formerly Invitae), Labcorp
Classification: Uncertain significance. Last evaluated: 2022-09-19. Review status: criteria provided, single submitter. Criteria: Invitae Variant Classification Sherloc (09022015). Collection method: clinical testing. Allele origin: germline.
Comment: This sequence change replaces lysine, which is basic and polar, with glutamine, which is neutral and polar, at codon 436 of the CACNA1D protein (p.Lys436Gln). In summary, the available evidence is currently insufficient to determine the role of this variant in disease. Therefore, it has been classified as a Variant of Uncertain Significance. Advanced modeling of protein sequence and biophysical properties (such as structural, functional, and spatial information, amino acid conservation, physicochemical variation, residue mobility, and thermodynamic stability) performed at Invitae indicates that this missense variant is not expected to disrupt CACNA1D protein function. ClinVar contains an entry for this variant (Variation ID: 1485943). This variant has not been reported in the literature in individuals affected with CACNA1D-related conditions. This variant is not present in population databases (gnomAD no frequency).

NM_001128840.3(CACNA1D):c.1306A>C (p.Lys436Gln)

Gene: CACNA1D (calcium voltage-gated channel subunit alpha1 D; plus strand). Cytogenetic location: 3p21.1.
Variant type: single nucleotide variant.
Coding change: c.1306A>C on transcript NM_001128840.3 (MANE Select); coding-DNA position 1306, A replaced by C.
Protein change: p.Lys436Gln; replaces lysine 436 with glutamine.
Molecular consequence: missense variant.
Genome position (GRCh38, 1-based): chr3:53,702,726, A>C. VCF-style: chr3-53702726-A-C. GRCh37 (hg19) VCF-style: chr3-53736753-A-C.
Other names: c.1306A>C, p.Lys436Gln (NM_000720.4, NM_001128839.3); short protein forms K436Q.
Identifiers: ClinVar variation 1485943 (VCV001485943.6), dbSNP rs2108590896, ClinGen allele CA353384431.
Genomic context (GRCh38, chr3:53,702,726, plus strand): 5'-GCAAAAGCACGGGGAGATTTCCAGAAGCTCCGGGAGAAGCAGCAGCTGGAGGAGGATCTA[A>C]AGGGCTACTTGGATTGGATCACCCAAGCTGAGGACATCGATCCGGAGAATGAGGAAGAAG-3'
Protein context (NP_001122312.1, residues 426-446): REKQQLEEDL[Lys436Gln]GYLDWITQAE